The following is an entry in ClinVar:

ClinVar aggregate classification (germline): Uncertain significance (1 of 4 stars; one submission).

Conditions:
Syndromic multisystem autoimmune disease due to ITCH deficiency. Also called: AUTOIMMUNE DISEASE, MULTISYSTEM, WITH FACIAL DYSMORPHISM. Identifiers: Orphanet 228426, MedGen C3150649, MONDO:0013245, OMIM 613385.

Submission:

Labcorp Genetics (formerly Invitae), Labcorp
Classification: Uncertain significance for Syndromic multisystem autoimmune disease due to ITCH deficiency. Last evaluated: 2021-09-14. Review status: criteria provided, single submitter. Criteria: Invitae Variant Classification Sherloc (09022015). Collection method: clinical testing. Allele origin: germline.
Comment: This variant is not present in population databases (ExAC no frequency). This variant has not been reported in the literature in individuals affected with ITCH-related conditions. Algorithms developed to predict the effect of missense changes on protein structure and function are either unavailable or do not agree on the potential impact of this missense change (SIFT: "Not Available"; PolyPhen-2: "Probably Damaging"; Align-GVGD: "Not Available"). In summary, the available evidence is currently insufficient to determine the role of this variant in disease. Therefore, it has been classified as a Variant of Uncertain Significance. This sequence change replaces valine with alanine at codon 798 of the ITCH protein (p.Val798Ala). The valine residue is highly conserved and there is a small physicochemical difference between valine and alanine.

NM_031483.7(ITCH):c.2393T>C (p.Val798Ala)

Gene: ITCH (itchy E3 ubiquitin protein ligase; plus strand). Cytogenetic location: 20q11.22.
Variant type: single nucleotide variant.
Coding change: c.2393T>C on transcript NM_031483.7 (MANE Select); coding-DNA position 2393, T replaced by C.
Protein change: p.Val798Ala; replaces valine 798 with alanine.
Molecular consequence: missense variant.
Genome position (GRCh38, 1-based): chr20:34,492,574, T>C. VCF-style: chr20-34492574-T-C. GRCh37 (hg19) VCF-style: chr20-33080379-T-C.
Other names: c.2516T>C, p.Val839Ala (NM_001257137.3, NM_001324197.2); c.2063T>C, p.Val688Ala (NM_001257138.3); c.2393T>C, p.Val798Ala (NM_001324198.2); short protein forms V688A, V798A, V839A.
Identifiers: ClinVar variation 1476673 (VCV001476673.6), dbSNP rs2146520102, ClinGen allele CA408673801.
Genomic context (GRCh38, chr20:34,492,574, plus strand): 5'-TTGATAATGAGAAGAGAATGAGACTTCTGCAGTTTGTTACTGGAACCTGCCGATTGCCAG[T>C]AGGAGGATTTGCTGATCTCATGGGTATGTATACAGGATCACTTTTCCTATACAGAAAATT-3'
Protein context (NP_113671.3, residues 788-808): QFVTGTCRLP[Val798Ala]GGFADLMGSN